The following is an entry in ClinVar:

ClinVar aggregate classification (germline): Uncertain significance (1 of 4 stars; one submission).

Conditions:
Autosomal recessive limb-girdle muscular dystrophy type 2W (MDRCMTT). Also called: Muscular dystrophy, autosomal recessive, with cardiomyopathy and triangular tongue; Muscular dystrophy, limb-girdle, type 2W. Identifiers: MedGen C4225192, MONDO:0014788, OMIM 616827.

Submission:

Labcorp Genetics (formerly Invitae), Labcorp
Classification: Uncertain significance for Autosomal recessive limb-girdle muscular dystrophy type 2W. Last evaluated: 2025-06-29. Review status: criteria provided, single submitter. Criteria: Invitae Variant Classification Sherloc (09022015). Collection method: clinical testing. Allele origin: germline.
Comment: This sequence change creates a premature translational stop signal (p.Asp277Thrfs*9) in the LIMS2 gene. It is expected to result in an absent or disrupted protein product. However, the current clinical and genetic evidence is not sufficient to establish whether loss-of-function variants in LIMS2 cause disease. This variant is present in population databases (rs771000238, gnomAD 0.003%). This variant has not been reported in the literature in individuals affected with LIMS2-related conditions. In summary, the available evidence is currently insufficient to determine the role of this variant in disease. Therefore, it has been classified as a Variant of Uncertain Significance.

NM_001161403.3(LIMS2):c.763del (p.Asp255fs)

Gene: LIMS2 (LIM zinc finger domain containing 2; minus strand). Cytogenetic location: 2q14.3.
Variant type: Deletion.
Coding change: c.763del on transcript NM_001161403.3 (MANE Select); coding-DNA position 763, one base deleted (G; older notation c.763delG).
Protein change: p.Asp255fs; shifts the reading frame from aspartic acid 255.
Molecular consequence: frameshift variant.
Genome position (GRCh38, 1-based): chr2:127,640,309, C deleted on the plus strand (G on the coding strand, the reverse complement: LIMS2 is on the minus strand); the first of 4 consecutive C bases (chr2:127,640,309-127,640,312); deleting any one gives the same sequence. VCF-style (leftmost placement, unchanged base first): chr2-127640308-TC-T. GRCh37 (hg19) VCF-style: chr2-128397883-TC-T.
Other names: c.829del, p.Asp277fs (NM_001136037.4); c.748del, p.Asp250fs (NM_001161404.2); c.307del, p.Asp103fs (NM_001256542.2); c.835del, p.Asp279fs (NM_017980.5); short protein forms D103fs, D277fs, D279fs, D250fs, D255fs.
Identifiers: ClinVar variation 4765053 (VCV004765053.1).